The following is an entry in ClinVar:

ClinVar aggregate classification (germline): Uncertain significance (1 of 4 stars; one submission).

Submission:

Women's Health and Genetics/Laboratory Corporation of America, LabCorp
Classification: Uncertain significance. Last evaluated: 2025-12-24. Review status: criteria provided, single submitter. Criteria: LabCorp Variant Classification Summary - May 2015. Collection method: clinical testing. Allele origin: germline.
Comment: Variant summary: ZNF469 c.3744_3746delTCC (p.Pro1249del) results in an in-frame deletion that is predicted to remove one amino acids from the encoded protein. The variant was absent in 152992 control chromosomes. The available data on variant occurrences in the general population are insufficient to allow any conclusion about variant significance. To our knowledge, no occurrence of c.3744_3746delTCC in individuals affected with ZNF469-related conditions and no experimental evidence demonstrating its impact on protein function have been reported. No submitters have cited clinical-significance assessments for this variant to ClinVar. Based on the evidence outlined above, the variant was classified as uncertain significance.

NM_001367624.2(ZNF469):c.3741TCC[1] (p.Pro1249del)

Gene: ZNF469 (zinc finger protein 469; plus strand). Cytogenetic location: 16q24.2.
Variant type: Microsatellite.
Coding change: c.3741TCC[1] on transcript NM_001367624.2 (MANE Select); one copy of the 3-base unit TCC starting at c.3741; the reference has two copies in a row; one copy, 3 bases deleted.
Protein change: p.Pro1249del; deletes proline 1249.
Molecular consequence: inframe deletion.
Genome position (GRCh38, 1-based): chr16:88,431,214-88,431,216, TCC deleted; deleting any 3 consecutive bases within chr16:88,431,210-88,431,216 gives the same sequence; the position shown is the placement nearest the transcript's 3' end. VCF-style (leftmost placement, unchanged base first): chr16-88431209-TCTC-T. GRCh37 (hg19) VCF-style: chr16-88497617-TCTC-T.
Other names: c.3744_3746delTCC (NM_001367624.2); short protein forms P1249del.
Identifiers: ClinVar variation 4688834 (VCV004688834.1).